The following is an entry in ClinVar:

ClinVar aggregate classification (germline): Uncertain significance (1 of 4 stars; one submission).

Conditions:
Dyskeratosis congenita, autosomal recessive 5 (DKCB5). Identifiers: MedGen C3554656, MONDO:0014076, OMIM 615190.
Pulmonary fibrosis and/or bone marrow failure, Telomere-related, 3. Also called: PULMONARY FIBROSIS AND/OR BONE MARROW FAILURE SYNDROME, TELOMERE-RELATED, 3. Identifiers: Orphanet 2032, MedGen C4225346, MONDO:0014613, OMIM 616373.

Submission:

Labcorp Genetics (formerly Invitae), Labcorp
Classification: Uncertain significance for Dyskeratosis congenita, autosomal recessive 5; Pulmonary fibrosis and/or bone marrow failure, Telomere-related, 3. Last evaluated: 2022-11-20. Review status: criteria provided, single submitter. Criteria: Invitae Variant Classification Sherloc (09022015). Collection method: clinical testing. Allele origin: germline.
Comment: This sequence change replaces valine, which is neutral and non-polar, with leucine, which is neutral and non-polar, at codon 745 of the RTEL1 protein (p.Val745Leu). In summary, the available evidence is currently insufficient to determine the role of this variant in disease. Therefore, it has been classified as a Variant of Uncertain Significance. Algorithms developed to predict the effect of missense changes on protein structure and function (SIFT, PolyPhen-2, Align-GVGD) all suggest that this variant is likely to be tolerated. This variant has not been reported in the literature in individuals affected with RTEL1-related conditions. This variant is not present in population databases (gnomAD no frequency).

NM_001283009.2(RTEL1):c.2233G>C (p.Val745Leu)

Genes: RTEL1-TNFRSF6B (RTEL1-TNFRSF6B readthrough (NMD candidate); plus strand), RTEL1 (regulator of telomere elongation helicase 1; plus strand). Cytogenetic location: 20q13.33.
Variant type: single nucleotide variant.
Coding change: c.2233G>C on transcript NM_001283009.2 (MANE Select); coding-DNA position 2233, G replaced by C.
Protein change: p.Val745Leu; replaces valine 745 with leucine.
Molecular consequence: missense variant. On other transcripts: non-coding transcript variant (1).
Genome position (GRCh38, 1-based): chr20:63,690,178, G>C. VCF-style: chr20-63690178-G-C. GRCh37 (hg19) VCF-style: chr20-62321531-G-C.
Other names: c.1564G>C, p.Val522Leu (NM_001283010.1); c.2233G>C, p.Val745Leu (NM_016434.4); c.2305G>C, p.Val769Leu (NM_032957.5); short protein forms V522L, V745L, V769L.
Identifiers: ClinVar variation 2941685 (VCV002941685.3), dbSNP rs398123049, ClinGen allele CA409679951.